The following is an entry in ClinVar:

NM_017802.4(DNAAF5):c.1715C>T (p.Ala572Val)

Gene: DNAAF5 (dynein axonemal assembly factor 5; plus strand). Cytogenetic location: 7p22.3.
Variant type: single nucleotide variant.
Coding change: c.1715C>T on transcript NM_017802.4 (MANE Select); coding-DNA position 1715, C replaced by T.
Protein change: p.Ala572Val; replaces alanine 572 with valine.
Molecular consequence: missense variant. On other transcripts: non-coding transcript variant (1).
Genome position (GRCh38, 1-based): chr7:763,906, C>T. VCF-style: chr7-763906-C-T. GRCh37 (hg19) VCF-style: chr7-803543-C-T.
Other names: short protein forms A572V.
Identifiers: ClinVar variation 525212 (VCV000525212.10), dbSNP rs147690117, ClinGen allele CA4110829.
Genomic context (GRCh38, chr7:763,906, plus strand): 5'-TCAGCAGCTGCCAGGACCTCTACCGCAAGCACATTGGTCCCCTCCTGGAGCGGGTGACCG[C>T]GTCGCACCTTGACTGGACCGCACACTCGCCGGAGCTCCTGCAGTTCAGTGTCATCGTCGC-3'
Protein context (NP_060272.3, residues 562-582): HIGPLLERVT[Ala572Val]SHLDWTAHSP

ClinVar aggregate classification (germline): Uncertain significance. Review status: criteria provided, multiple submitters, no conflicts (2 of 4 stars). 4 submissions from 4 submitters: Uncertain significance (4). Last evaluated 2026-04-01.

Conditions:
Primary ciliary dyskinesia 18. Also called: CILIARY DYSKINESIA, PRIMARY, 18, WITH OR WITHOUT SITUS INVERSUS. Identifiers: Orphanet 244, MedGen C3543825, MONDO:0013940, OMIM 614874.
Primary ciliary dyskinesia. Also called: Ciliary dyskinesia. Identifiers: Orphanet 244, MedGen C0008780, MONDO:0016575, HP:0012265.

Allele frequency attached by ClinVar (database versions not stated): TOPMed 0.00006; ExAC 0.00007; gnomAD 0.00005 and 0.00004; gnomAD exomes 0.00006; ESP Exome Variant Server 0.00023.
gnomAD v4.1: 43 of 1,612,170 alleles (0.0027%); highest among the groups gnomAD compares: East Asian, 0.016%; no homozygotes.

Submissions (4):

GeneDx
Classification: Uncertain significance. Last evaluated: 2026-04-01. Review status: criteria provided, single submitter. Criteria: GeneDx Variant Classification Process June 2021. Collection method: clinical testing. Allele origin: germline.
Comment: In silico analysis suggests that this missense variant does not alter protein structure/function; Has not been previously published as pathogenic or benign to our knowledge

Ambry Genetics
Classification: Uncertain significance for Primary ciliary dyskinesia. Last evaluated: 2025-01-10. Review status: criteria provided, single submitter. Criteria: Ambry Variant Classification Scheme 2023. Collection method: clinical testing. Allele origin: germline.

Labcorp Genetics (formerly Invitae), Labcorp
Classification: Uncertain significance for Primary ciliary dyskinesia. Last evaluated: 2022-08-31. Review status: criteria provided, single submitter. Criteria: Invitae Variant Classification Sherloc (09022015). Collection method: clinical testing. Allele origin: germline.
Comment: This sequence change replaces alanine, which is neutral and non-polar, with valine, which is neutral and non-polar, at codon 572 of the DNAAF5 protein (p.Ala572Val). This variant is present in population databases (rs147690117, gnomAD 0.03%). This variant has not been reported in the literature in individuals affected with DNAAF5-related conditions. ClinVar contains an entry for this variant (Variation ID: 525212). Algorithms developed to predict the effect of missense changes on protein structure and function (SIFT, PolyPhen-2, Align-GVGD) all suggest that this variant is likely to be tolerated. In summary, the available evidence is currently insufficient to determine the role of this variant in disease. Therefore, it has been classified as a Variant of Uncertain Significance.

Fulgent Genetics
Classification: Uncertain significance for Primary ciliary dyskinesia 18. Last evaluated: 2021-07-21. Review status: criteria provided, single submitter. Criteria: ACMG Guidelines, 2015. Collection method: clinical testing. Allele origin: unknown.